The following is an entry in ClinVar:

ClinVar aggregate classification (germline): Likely pathogenic (1 of 4 stars; one submission).

Conditions:
Deficiency of UDPglucose-hexose-1-phosphate uridylyltransferase. Also called: GALACTOSE-1-PHOSPHATE URIDYLYLTRANSFERASE DEFICIENCY; Transferase Deficiency Galactosemia; GALACTOSEMIA I; GALT deficiency; Galactosemia, classic. Identifiers: Orphanet 352, Orphanet 79239, MedGen C0268151, MONDO:0009258, OMIM 230400.

Allele frequency attached by ClinVar (database versions not stated): TOPMed 0.00001.
gnomAD v4.1: 1 of 1,614,186 alleles (0.000062%); highest among the groups gnomAD compares: Admixed American, 0.0017%; no homozygotes.

Submission:

Labcorp Genetics (formerly Invitae), Labcorp
Classification: Likely pathogenic for Deficiency of UDPglucose-hexose-1-phosphate uridylyltransferase. Last evaluated: 2024-01-25. Review status: criteria provided, single submitter. Criteria: Invitae Variant Classification Sherloc (09022015). Collection method: clinical testing. Allele origin: germline.
Comment: This sequence change replaces threonine, which is neutral and polar, with serine, which is neutral and polar, at codon 350 of the GALT protein (p.Thr350Ser). This variant is not present in population databases (gnomAD no frequency). This variant has not been reported in the literature in individuals affected with GALT-related conditions. Advanced modeling of protein sequence and biophysical properties (such as structural, functional, and spatial information, amino acid conservation, physicochemical variation, residue mobility, and thermodynamic stability) performed at Invitae indicates that this missense variant is expected to disrupt GALT protein function with a positive predictive value of 95%. This variant disrupts the p.Thr350 amino acid residue in GALT. Other variant(s) that disrupt this residue have been determined to be pathogenic (PMID: 8741038, 11152465). This suggests that this residue is clinically significant, and that variants that disrupt this residue are likely to be disease-causing. In summary, the currently available evidence indicates that the variant is pathogenic, but additional data are needed to prove that conclusively. Therefore, this variant has been classified as Likely Pathogenic.

Literature cited by the submitters: PubMed 8741038; PubMed 11152465.

NM_000155.4(GALT):c.1049C>G (p.Thr350Ser)

Gene: GALT (galactose-1-phosphate uridylyltransferase; plus strand). Cytogenetic location: 9p13.3.
Variant type: single nucleotide variant.
Coding change: c.1049C>G on transcript NM_000155.4 (MANE Select); coding-DNA position 1049, C replaced by G.
Protein change: p.Thr350Ser; replaces threonine 350 with serine.
Molecular consequence: missense variant.
Genome position (GRCh38, 1-based): chr9:34,649,554, C>G. VCF-style: chr9-34649554-C-G. GRCh37 (hg19) VCF-style: chr9-34649551-C-G.
Other names: c.722C>G, p.Thr241Ser (NM_001258332.2); short protein forms T350S, T241S.
Identifiers: ClinVar variation 2916610 (VCV002916610.3), dbSNP rs775317639, ClinGen allele CA373285314.
Genomic context (GRCh38, chr9:34,649,554, plus strand): 5'-CCACTGTCCGGAAATTCATGGTTGGCTACGAAATGCTTGCTCAGGCTCAGAGGGACCTCA[C>G]CCCTGAGCAGGTCAGGACTCAGAACAGTCTGGCGTCTCCAGACTCTCACATGCAGTATGT-3'
Protein context (NP_000146.2, residues 340-360): EMLAQAQRDL[Thr350Ser]PEQAAERLRA